The following is an entry in ClinVar:

ClinVar aggregate classification (germline): Uncertain significance (1 of 4 stars; one submission).

Submission:

Labcorp Genetics (formerly Invitae), Labcorp
Classification: Uncertain significance. Last evaluated: 2024-10-02. Review status: criteria provided, single submitter. Criteria: Invitae Variant Classification Sherloc (09022015). Collection method: clinical testing. Allele origin: germline.
Comment: This variant, c.2170_2172del, results in the deletion of 1 amino acid(s) of the ALPK1 protein (p.Ser724del), but otherwise preserves the integrity of the reading frame. This variant is not present in population databases (gnomAD no frequency). This variant has not been reported in the literature in individuals affected with ALPK1-related conditions. Experimental studies and prediction algorithms are not available or were not evaluated, and the functional significance of this variant is currently unknown. In summary, the available evidence is currently insufficient to determine the role of this variant in disease. Therefore, it has been classified as a Variant of Uncertain Significance.

NM_025144.4(ALPK1):c.2167TCT[1] (p.Ser724del)

Gene: ALPK1 (alpha kinase 1; plus strand). Cytogenetic location: 4q25.
Variant type: Microsatellite.
Coding change: c.2167TCT[1] on transcript NM_025144.4 (MANE Select); one copy of the 3-base unit TCT starting at c.2167; the reference has two copies in a row; one copy, 3 bases deleted.
Protein change: p.Ser724del; deletes serine 724.
Genome position (GRCh38, 1-based): chr4:112,431,717-112,431,719, TCT deleted; deleting any 3 consecutive bases within chr4:112,431,714-112,431,719 gives the same sequence; the position shown is the placement nearest the transcript's 3' end. VCF-style (leftmost placement, unchanged base first): chr4-112431713-GTCT-G. GRCh37 (hg19) VCF-style: chr4-113352869-GTCT-G.
Other names: c.2167TCT[1], p.Ser724del (NM_001102406.2); c.1933TCT[1], p.Ser646del (NM_001253884.2); short protein forms S646del, S724del.
Identifiers: ClinVar variation 3722061 (VCV003722061.2).